The following is an entry in ClinVar:

NM_003672.4(CDC14A):c.829C>T (p.His277Tyr)

Gene: CDC14A (cell division cycle 14A; plus strand). Cytogenetic location: 1p21.2.
Variant type: single nucleotide variant.
Coding change: c.829C>T on transcript NM_003672.4 (MANE Select); coding-DNA position 829, C replaced by T.
Protein change: p.His277Tyr; replaces histidine 277 with tyrosine.
Molecular consequence: missense variant. On other transcripts: 5 prime UTR variant (1).
Genome position (GRCh38, 1-based): chr1:100,462,872, C>T. VCF-style: chr1-100462872-C-T. GRCh37 (hg19) VCF-style: chr1-100928428-C-T.
Other names: c.829C>T, p.His277Tyr (NM_001319210.2, NM_033312.3, NM_033313.3); c.655C>T, p.His219Tyr (NM_001319211.2); c.-51C>T (NM_001319212.2); short protein forms H219Y, H277Y.
Identifiers: ClinVar variation 4769853 (VCV004769853.1).
Genomic context (GRCh38, chr1:100,462,872, plus strand): 5'-GACAACATCGTGCGAAGGTTCCTGAACATCTGTGAGAACACCGAAGGGGCCATCGCCGTT[C>T]ACTGCAAAGGTGTGTGCAAGGCCTCGGTGGTGGTGGCTGTGCTTATCGAAGGGGCGGGCC-3'
Protein context (NP_003663.2, residues 267-287): CENTEGAIAV[His277Tyr]CKAGLGRTGT

ClinVar aggregate classification (germline): Uncertain significance (1 of 4 stars; one submission).

Submission:

Labcorp Genetics (formerly Invitae), Labcorp
Classification: Uncertain significance. Last evaluated: 2025-05-27. Review status: criteria provided, single submitter. Criteria: Invitae Variant Classification Sherloc (09022015). Collection method: clinical testing. Allele origin: germline.
Comment: This sequence change replaces histidine, which is basic and polar, with tyrosine, which is neutral and polar, at codon 277 of the CDC14A protein (p.His277Tyr). This variant is present in population databases (no rsID available, gnomAD 0.002%). This variant has not been reported in the literature in individuals affected with CDC14A-related conditions. Invitae Evidence Modeling of protein sequence and biophysical properties (such as structural, functional, and spatial information, amino acid conservation, physicochemical variation, residue mobility, and thermodynamic stability) indicates that this missense variant is expected to disrupt CDC14A protein function with a positive predictive value of 80%. In summary, the available evidence is currently insufficient to determine the role of this variant in disease. Therefore, it has been classified as a Variant of Uncertain Significance.